The following is an entry in ClinVar:

ClinVar aggregate classification (germline): Uncertain significance (1 of 4 stars; one submission).

Allele frequency attached by ClinVar (database versions not stated): gnomAD 0.00001; ExAC 0.00006; 1000 Genomes Project 30x 0.00016; 1000 Genomes Project 0.00020.

Submission:

Labcorp Genetics (formerly Invitae), Labcorp
Classification: Uncertain significance. Last evaluated: 2024-06-04. Review status: criteria provided, single submitter. Criteria: Invitae Variant Classification Sherloc (09022015). Collection method: clinical testing. Allele origin: germline.
Comment: This sequence change replaces proline, which is neutral and non-polar, with leucine, which is neutral and non-polar, at codon 474 of the DMXL2 protein (p.Pro474Leu). This variant is present in population databases (rs556062450, gnomAD 0.03%). This variant has not been reported in the literature in individuals affected with DMXL2-related conditions. ClinVar contains an entry for this variant (Variation ID: 1918388). An algorithm developed to predict the effect of missense changes on protein structure and function (PolyPhen-2) suggests that this variant is likely to be tolerated. In summary, the available evidence is currently insufficient to determine the role of this variant in disease. Therefore, it has been classified as a Variant of Uncertain Significance.

NM_001378457.1(DMXL2):c.1421C>T (p.Pro474Leu)

Gene: DMXL2 (Dmx like 2; minus strand). Cytogenetic location: 15q21.2.
Variant type: single nucleotide variant.
Coding change: c.1421C>T on transcript NM_001378457.1 (MANE Select); coding-DNA position 1421, C replaced by T.
Protein change: p.Pro474Leu; replaces proline 474 with leucine.
Molecular consequence: missense variant. On other transcripts: non-coding transcript variant (2).
Genome position (GRCh38, 1-based): chr15:51,537,684, G>A on the plus strand (C>T on the coding strand, the complement: DMXL2 is on the minus strand). VCF-style: chr15-51537684-G-A. GRCh37 (hg19) VCF-style: chr15-51829881-G-A.
Other names: c.1421C>T, p.Pro474Leu (NM_001174116.3, NM_001174117.3, NM_001378458.1 and 6 more transcripts); c.1181C>T, p.Pro394Leu (NM_001378464.1); short protein forms P474L, P394L.
Identifiers: ClinVar variation 1918388 (VCV001918388.5), dbSNP rs556062450, ClinGen allele CA7562589.
Genomic context (GRCh38, chr15:51,537,684, plus strand): 5'-TTCCGATCAAGCAGAACCGTAGGCAGTGGCATTGGTACACTAAGTCGTGAGTAAGTTCTA[G>A]GACTTCCTTCTCTTTCTCCATCTTCATGTTCTGATGATCCTGTACCTGCCTCAGATTCTC-3'
Protein context (NP_001365386.1, residues 464-484): EHEDGEREGS[Pro474Leu]RTYSRLSVPM